The following is an entry in ClinVar:

ClinVar aggregate classification (germline): Uncertain significance (1 of 4 stars; one submission).

Conditions:
Cohen syndrome (COH1). Also called: PEPPER SYNDROME; Cutis verticis gyrata, retinitis pigmentosa, and sensorineural deafness. Identifiers: Orphanet 193, MedGen C0265223, MONDO:0008999, OMIM 216550.

Allele frequency attached by ClinVar (database versions not stated): gnomAD 0.00001.
gnomAD v4.1: 1 of 1,613,706 alleles (0.000062%); highest among the groups gnomAD compares: Admixed American, 0.0017%; no homozygotes.

Submission:

Labcorp Genetics (formerly Invitae), Labcorp
Classification: Uncertain significance for Cohen syndrome. Last evaluated: 2022-07-11. Review status: criteria provided, single submitter. Criteria: Invitae Variant Classification Sherloc (09022015). Collection method: clinical testing. Allele origin: germline.
Comment: This sequence change replaces glutamine, which is neutral and polar, with arginine, which is basic and polar, at codon 2944 of the VPS13B protein (p.Gln2944Arg). The frequency data for this variant in the population databases is considered unreliable, as metrics indicate poor data quality at this position in the gnomAD database. This variant has not been reported in the literature in individuals affected with VPS13B-related conditions. ClinVar contains an entry for this variant (Variation ID: 1055803). Algorithms developed to predict the effect of missense changes on protein structure and function output the following: SIFT: "Not Available"; PolyPhen-2: "Benign"; Align-GVGD: "Not Available". The arginine amino acid residue is found in multiple mammalian species, which suggests that this missense change does not adversely affect protein function. In summary, the available evidence is currently insufficient to determine the role of this variant in disease. Therefore, it has been classified as a Variant of Uncertain Significance.

NM_152564.5(VPS13B):c.8756A>G (p.Gln2919Arg)

Gene: VPS13B (vacuolar protein sorting 13 homolog B; plus strand). Cytogenetic location: 8q22.2.
Variant type: single nucleotide variant.
Coding change: c.8756A>G on transcript NM_152564.5 (MANE Select); coding-DNA position 8756, A replaced by G.
Protein change: p.Gln2919Arg; replaces glutamine 2919 with arginine.
Molecular consequence: missense variant.
Genome position (GRCh38, 1-based): chr8:99,819,546, A>G. VCF-style: chr8-99819546-A-G. GRCh37 (hg19) VCF-style: chr8-100831774-A-G.
Other names: c.8831A>G, p.Gln2944Arg (NM_017890.5); short protein forms Q2919R, Q2944R.
Identifiers: ClinVar variation 1055803 (VCV001055803.2), dbSNP rs987741026, ClinGen allele CA182328759.